The following is an entry in ClinVar:

NM_001278431.2(C1QTNF5):c.449T>C (p.Val150Ala)

Genes: C1QTNF5 (C1q and TNF related 5; minus strand), MFRP (membrane frizzled-related protein; minus strand). Cytogenetic location: 11q23.3.
Variant type: single nucleotide variant.
Coding change: c.449T>C on transcript NM_001278431.2 (MANE Select); coding-DNA position 449, T replaced by C.
Protein change: p.Val150Ala; replaces valine 150 with alanine.
Molecular consequence: missense variant. On other transcripts: 3 prime UTR variant (1).
Genome position (GRCh38, 1-based): chr11:119,339,614, A>G on the plus strand (T>C on the coding strand, the complement: C1QTNF5 is on the minus strand). VCF-style: chr11-119339614-A-G. GRCh37 (hg19) VCF-style: chr11-119210324-A-G.
Other names: c.449T>C, p.Val150Ala (NM_015645.5); c.*1345T>C (NM_031433.4); short protein forms V150A.
Identifiers: ClinVar variation 2986359 (VCV002986359.3), dbSNP rs1950475765, ClinGen allele CA382969027.

ClinVar aggregate classification (germline): Uncertain significance (1 of 4 stars; one submission).

Allele frequency attached by ClinVar (database versions not stated): TOPMed below 0.00001.

Submission:

Labcorp Genetics (formerly Invitae), Labcorp
Classification: Uncertain significance. Last evaluated: 2023-11-06. Review status: criteria provided, single submitter. Criteria: Invitae Variant Classification Sherloc (09022015). Collection method: clinical testing. Allele origin: germline.
Comment: This sequence change replaces valine, which is neutral and non-polar, with alanine, which is neutral and non-polar, at codon 150 of the C1QTNF5 protein (p.Val150Ala). This variant is not present in population databases (gnomAD no frequency). This variant has not been reported in the literature in individuals affected with C1QTNF5-related conditions. An algorithm developed to predict the effect of missense changes on protein structure and function (PolyPhen-2) suggests that this variant is likely to be tolerated. In summary, the available evidence is currently insufficient to determine the role of this variant in disease. Therefore, it has been classified as a Variant of Uncertain Significance.